The following is an entry in ClinVar:

NM_001927.4(DES):c.732_735+3del

Gene: DES (desmin; plus strand). Cytogenetic location: 2q35.
Variant type: Deletion.
Coding change: c.732_735+3del on transcript NM_001927.4 (MANE Select); coding-DNA position 732 through 3 bases into the intron after coding-DNA position 735, 7 bases deleted (AGAGGTA; older notation c.732_735+3delAGAGGTA).
Molecular consequence: splice donor variant. On other transcripts: intron variant (1).
Genome position (GRCh38, 1-based): chr2:219,420,343-219,420,349, AGAGGTA deleted; deleting any 7 consecutive bases within chr2:219,420,342-219,420,349 gives the same sequence; the c. name uses the placement nearest the transcript's 3' end. VCF-style (leftmost placement, unchanged base first): chr2-219420341-GAAGAGGT-G. GRCh37 (hg19) VCF-style: chr2-220285063-GAAGAGGT-G.
Other names: c.732_735+3del (NM_001382712.1, NM_001382711.1, NM_001382710.1 and 1 more transcripts); c.729_732+3del (NM_001382708.1); c.496-182_496-176del (NM_001382713.1).
Identifiers: ClinVar variation 2110352 (VCV002110352.4), dbSNP rs2545251600, ClinGen allele CA2580065803.

ClinVar aggregate classification (germline): Likely pathogenic (1 of 4 stars; one submission).

Conditions:
Desmin-related myofibrillar myopathy (MFM1). Also called: Myofibrillar myopathy 1; Desminopathy; MYOFIBRILLAR MYOPATHY WITH ARRHYTHMOGENIC RIGHT VENTRICULAR CARDIOMYOPATHY; DESMIN-RELATED MYOPATHY WITH ARRHYTHMOGENIC RIGHT VENTRICULAR CARDIOMYOPATHY; Desmin related myopathy (former name); Desmin storage myopathy (former name). Identifiers: Orphanet 363543, Orphanet 98909, MedGen C1832370, MONDO:0011076, OMIM 601419.

Submission:

Labcorp Genetics (formerly Invitae), Labcorp
Classification: Likely pathogenic for Desmin-related myofibrillar myopathy. Last evaluated: 2022-03-12. Review status: criteria provided, single submitter. Criteria: Invitae Variant Classification Sherloc (09022015). Collection method: clinical testing. Allele origin: germline.
Comment: This variant results in the deletion of part of exon 3 (c.732_735+3del) of the DES gene. It is expected to disrupt RNA splicing. Variants that disrupt the donor or acceptor splice site typically lead to a loss of protein function (PMID: 16199547), and loss-of-function variants in DES are known to be pathogenic (PMID: 23575897). This variant is not present in population databases (gnomAD no frequency). This variant has not been reported in the literature in individuals affected with DES-related conditions. Algorithms developed to predict the effect of sequence changes on RNA splicing suggest that this variant may disrupt the consensus splice site. In summary, the currently available evidence indicates that the variant is pathogenic, but additional data are needed to prove that conclusively. Therefore, this variant has been classified as Likely Pathogenic.

Literature cited by the submitters: PubMed 16199547; PubMed 23575897.